The following is an entry in ClinVar:

ClinVar aggregate classification (germline): Uncertain significance (1 of 4 stars; one submission).

Submission:

Labcorp Genetics (formerly Invitae), Labcorp
Classification: Uncertain significance. Last evaluated: 2019-12-12. Review status: criteria provided, single submitter. Criteria: Invitae Variant Classification Sherloc (09022015). Collection method: clinical testing. Allele origin: germline.
Comment: This sequence change replaces lysine with asparagine at codon 936 of the ABCA4 protein (p.Lys936Asn). The lysine residue is highly conserved and there is a moderate physicochemical difference between lysine and asparagine. This variant is not present in population databases (ExAC no frequency). In summary, the available evidence is currently insufficient to determine the role of this variant in disease. Therefore, it has been classified as a Variant of Uncertain Significance. Algorithms developed to predict the effect of missense changes on protein structure and function (SIFT, PolyPhen-2, Align-GVGD) all suggest that this variant is likely to be disruptive, but these predictions have not been confirmed by published functional studies and their clinical significance is uncertain. This variant has not been reported in the literature in individuals with ABCA4-related conditions.

NM_000350.3(ABCA4):c.2808G>C (p.Lys936Asn)

Gene: ABCA4 (ATP binding cassette subfamily A member 4; minus strand). Cytogenetic location: 1p22.1.
Variant type: single nucleotide variant.
Coding change: c.2808G>C on transcript NM_000350.3 (MANE Select); coding-DNA position 2808, G replaced by C.
Protein change: p.Lys936Asn; replaces lysine 936 with asparagine.
Molecular consequence: missense variant.
Genome position (GRCh38, 1-based): chr1:94,047,029, C>G on the plus strand (G>C on the coding strand, the complement: ABCA4 is on the minus strand). VCF-style: chr1-94047029-C-G. GRCh37 (hg19) VCF-style: chr1-94512585-C-G.
Other names: c.2586G>C, p.Lys862Asn (NM_001425324.1); short protein forms K936N, K862N.
Identifiers: ClinVar variation 846810 (VCV000846810.9), dbSNP rs1660704375, ClinGen allele CA341275500.